The following is an entry in ClinVar:

ClinVar aggregate classification (germline): Likely benign. Review status: criteria provided, multiple submitters, no conflicts (2 of 4 stars). 2 submissions from 2 submitters: Likely benign (2). Last evaluated 2025-03-01.

Allele frequency attached by ClinVar (database versions not stated): gnomAD exomes 0.00002; gnomAD 0.00004; ESP Exome Variant Server 0.00008; TOPMed 0.00009; ExAC 0.00012.
gnomAD v4.1: 42 of 1,561,284 alleles (0.0027%); highest among the groups gnomAD compares: African/African-American, 0.044%; no homozygotes.

Submissions (2):

CeGaT Center for Human Genetics Tuebingen
Classification: Likely benign. Last evaluated: 2025-03-01. Review status: criteria provided, single submitter. Criteria: CeGaT Center For Human Genetics Tuebingen Variant Classification Criteria Version 2. Collection method: clinical testing. Allele origin: germline. Affected: yes. Observed: 1 variant allele.
Comment: CCDC88C: BP4, BP7

Labcorp Genetics (formerly Invitae), Labcorp
Classification: Likely benign. Last evaluated: 2024-01-03. Review status: criteria provided, single submitter. Criteria: Invitae Variant Classification Sherloc (09022015). Collection method: clinical testing. Allele origin: germline.

NM_001080414.4(CCDC88C):c.5295C>T (p.Ser1765=)

Gene: CCDC88C (coiled-coil and HOOK domain protein 88C; minus strand). Cytogenetic location: 14q32.11.
Variant type: single nucleotide variant.
Coding change: c.5295C>T on transcript NM_001080414.4 (MANE Select); coding-DNA position 5295, C replaced by T.
Protein change: p.Ser1765=; no amino-acid change (serine 1765 retained).
Molecular consequence: synonymous variant.
Genome position (GRCh38, 1-based): chr14:91,273,417, G>A on the plus strand (C>T on the coding strand, the complement: CCDC88C is on the minus strand). VCF-style: chr14-91273417-G-A. GRCh37 (hg19) VCF-style: chr14-91739761-G-A.
Identifiers: ClinVar variation 2737367 (VCV002737367.10), dbSNP rs374241786, ClinGen allele CA7308681.